The following is an entry in ClinVar:

ClinVar aggregate classification (germline): Likely benign. Review status: criteria provided, multiple submitters, no conflicts (2 of 4 stars). 2 submissions from 2 submitters: Likely benign (2). Last evaluated 2024-11-15.

Allele frequency attached by ClinVar (database versions not stated): 1000 Genomes Project 30x 0.00016; 1000 Genomes Project 0.00020.
gnomAD v4.1: 71 of 1,613,982 alleles (0.0044%); highest among the groups gnomAD compares: Middle Eastern, 0.033%; no homozygotes.

Submissions (2):

Labcorp Genetics (formerly Invitae), Labcorp
Classification: Likely benign. Last evaluated: 2024-11-15. Review status: criteria provided, single submitter. Criteria: Invitae Variant Classification Sherloc (09022015). Collection method: clinical testing. Allele origin: germline.

CeGaT Center for Human Genetics Tuebingen
Classification: Likely benign. Last evaluated: 2023-07-01. Review status: criteria provided, single submitter. Criteria: CeGaT Center For Human Genetics Tuebingen Variant Classification Criteria Version 2. Collection method: clinical testing. Allele origin: germline. Affected: yes. Observed: 1 variant allele.
Comment: COLGALT1: BP4, BP7

NM_024656.4(COLGALT1):c.1275C>T (p.Asp425=)

Gene: COLGALT1 (collagen beta(1-O)galactosyltransferase 1; plus strand). Cytogenetic location: 19p13.11.
Variant type: single nucleotide variant.
Coding change: c.1275C>T on transcript NM_024656.4 (MANE Select); coding-DNA position 1275, C replaced by T.
Protein change: p.Asp425=; no amino-acid change (aspartic acid 425 retained).
Molecular consequence: synonymous variant.
Genome position (GRCh38, 1-based): chr19:17,579,490, C>T. VCF-style: chr19-17579490-C-T. GRCh37 (hg19) VCF-style: chr19-17690299-C-T.
Identifiers: ClinVar variation 2083137 (VCV002083137.28), dbSNP rs150637824, ClinGen allele CA9297252.
Genomic context (GRCh38, chr19:17,579,490, plus strand): 5'-GGTCAGGCCTGGCCTTGGCCTCCCTGTGATGTGGCGGGGCTTCCTCCCTCAGGTGGTGGA[C>T]CGGGGGCTGCAGAAATCGCTTGTGTTTGAGGATGACCTGCGTTTTGAGATCTTCTTCAAG-3'
Protein context (NP_078932.2, residues 415-435): SHYNIWKEVV[Asp425=]RGLQKSLVFE